The following is an entry in ClinVar:

NM_000143.4(FH):c.1364T>C (p.Leu455Ser)

Gene: FH (fumarate hydratase; minus strand). Cytogenetic location: 1q43.
Variant type: single nucleotide variant.
Coding change: c.1364T>C on transcript NM_000143.4 (MANE Select); coding-DNA position 1364, T replaced by C.
Protein change: p.Leu455Ser; replaces leucine 455 with serine.
Molecular consequence: missense variant.
Genome position (GRCh38, 1-based): chr1:241,500,463, A>G on the plus strand (T>C on the coding strand, the complement: FH is on the minus strand). VCF-style: chr1-241500463-A-G. GRCh37 (hg19) VCF-style: chr1-241663763-A-G.
Other names: short protein forms L455S.
Identifiers: ClinVar variation 5021756 (VCV005021756.1).

ClinVar aggregate classification (germline): Uncertain significance (1 of 4 stars; one submission).

Conditions:
Hereditary cancer-predisposing syndrome. Also called: Neoplastic Syndromes, Hereditary; Tumor predisposition; Hereditary neoplastic syndrome; Hereditary Cancer Syndrome. Identifiers: Orphanet 140162, MedGen C0027672, MeSH D009386, MONDO:0015356.

Submission:

Ambry Genetics
Classification: Uncertain significance for Hereditary cancer-predisposing syndrome. Last evaluated: 2026-07-07. Review status: criteria provided, single submitter. Criteria: Ambry Variant Classification Scheme 2023. Collection method: clinical testing. Allele origin: germline.
Comment: The p.L455S variant (also known as c.1364T>C), located in coding exon 9 of the FH gene, results from a T to C substitution at nucleotide position 1364. The leucine at codon 455 is replaced by serine, an amino acid with dissimilar properties. This amino acid position is conserved. In addition, this alteration is predicted to be deleterious by in silico analysis. Based on the available evidence, the clinical significance of this variant remains unclear.